The following is an entry in ClinVar:

NM_015135.3(NUP205):c.548C>T (p.Thr183Ile)

Gene: NUP205 (nucleoporin 205; plus strand). Cytogenetic location: 7q33.
Variant type: single nucleotide variant.
Coding change: c.548C>T on transcript NM_015135.3 (MANE Select); coding-DNA position 548, C replaced by T.
Protein change: p.Thr183Ile; replaces threonine 183 with isoleucine.
Molecular consequence: missense variant. On other transcripts: 5 prime UTR variant (1).
Genome position (GRCh38, 1-based): chr7:135,577,028, C>T. VCF-style: chr7-135577028-C-T. GRCh37 (hg19) VCF-style: chr7-135261776-C-T.
Other names: c.-538C>T (NM_001329434.2); short protein forms T183I.
Identifiers: ClinVar variation 2007682 (VCV002007682.4), dbSNP rs2486103374, ClinGen allele CA369348795.
Genomic context (GRCh38, chr7:135,577,028, plus strand): 5'-GTCCAGAGCTGGCTTCCATGACAACACGCTTTACAGATGAGCTGATGGAGCAAGGATTGA[C>T]TTATAAAGTTCTTACGCTGGTGTCACAGATTGATGTGAATAATGAGTTTGAGAAACTACA-3'
Protein context (NP_055950.2, residues 173-193): FTDELMEQGL[Thr183Ile]YKVLTLVSQI

ClinVar aggregate classification (germline): Uncertain significance (1 of 4 stars; one submission).

Submission:

Labcorp Genetics (formerly Invitae), Labcorp
Classification: Uncertain significance. Last evaluated: 2022-08-21. Review status: criteria provided, single submitter. Criteria: Invitae Variant Classification Sherloc (09022015). Collection method: clinical testing. Allele origin: germline.
Comment: In summary, the available evidence is currently insufficient to determine the role of this variant in disease. Therefore, it has been classified as a Variant of Uncertain Significance. Algorithms developed to predict the effect of missense changes on protein structure and function are either unavailable or do not agree on the potential impact of this missense change (SIFT: "Tolerated"; PolyPhen-2: "Possibly Damaging"; Align-GVGD: "Class C0"). This variant has not been reported in the literature in individuals affected with NUP205-related conditions. This variant is not present in population databases (gnomAD no frequency). This sequence change replaces threonine, which is neutral and polar, with isoleucine, which is neutral and non-polar, at codon 183 of the NUP205 protein (p.Thr183Ile).